The following is an entry in ClinVar:

ClinVar aggregate classification (germline): Conflicting classifications of pathogenicity. Review status: criteria provided, conflicting classifications (1 of 4 stars). 4 submissions from 4 submitters: Uncertain significance (3); Likely benign (1). Last evaluated 2025-03-25.

Conditions:
Inborn genetic diseases. Identifiers: MedGen C0950123, MeSH D030342.
Neuropathy, hereditary sensory, type 2C. Also called: Hereditary sensory and autonomic neuropathy type IIC; KIF1A-Related HSAN2 (HSAN2C). Identifiers: Orphanet 970, MedGen C3280168, MONDO:0013634, OMIM 614213.
Intellectual disability, autosomal dominant 9 (NESCAVS). Also called: NESCAV SYNDROME; KIF1A-Related Neurodevelopmental Disorder. Identifiers: Orphanet 662367, MedGen C5393830, MONDO:0013656, OMIM 614255.
Hereditary spastic paraplegia 30. Identifiers: Orphanet 101010, MedGen C5235139, MONDO:0012476.
Neuropathy, hereditary sensory and autonomic, type 2A (HSAN2A). Also called: ACROOSTEOLYSIS, GIACCAI TYPE; ACROOSTEOLYSIS, NEUROGENIC; MORVAN DISEASE; NEUROPATHY, CONGENITAL SENSORY; NEUROPATHY, HEREDITARY SENSORY RADICULAR, AUTOSOMAL RECESSIVE; NEUROPATHY, HEREDITARY SENSORY, TYPE IIA. Identifiers: Orphanet 970, MedGen C2752089, MONDO:0024309, OMIM 201300.

Allele frequency attached by ClinVar (database versions not stated): TOPMed 0.00001; gnomAD 0.00002; gnomAD exomes 0.00004 and 0.00012; ExAC 0.00005.
gnomAD v4.1: 167 of 1,612,572 alleles (0.01%); highest among the groups gnomAD compares: Non-Finnish European, 0.014%; no homozygotes.

Submissions (4):

Labcorp Genetics (formerly Invitae), Labcorp
Classification: Likely benign for Hereditary spastic paraplegia 30; Neuropathy, hereditary sensory, type 2C; Intellectual disability, autosomal dominant 9. Last evaluated: 2025-03-25. Review status: criteria provided, single submitter. Criteria: Invitae Variant Classification Sherloc (09022015). Collection method: clinical testing. Allele origin: germline.

Ambry Genetics
Classification: Uncertain significance for Inborn genetic diseases. Last evaluated: 2021-06-22. Review status: criteria provided, single submitter. Criteria: Ambry Variant Classification Scheme 2023. Collection method: clinical testing. Allele origin: germline.
Comment: The p.A1091P variant (also known as c.3271G>C), located in coding exon 30 of the KIF1A gene, results from a G to C substitution at nucleotide position 3271. The alanine at codon 1091 is replaced by proline, an amino acid with highly similar properties. This amino acid position is not well conserved in available vertebrate species. In addition, this alteration is predicted to be tolerated by in silico analysis. Since supporting evidence is limited at this time, the clinical significance of this alteration remains unclear.

Fulgent Genetics
Classification: Uncertain significance for Neuropathy, hereditary sensory and autonomic, type 2A; Spastic paraplegia 30A, autosomal dominant; Neuropathy, hereditary sensory, type 2C; Intellectual disability, autosomal dominant 9. Last evaluated: 2018-10-31. Review status: criteria provided, single submitter. Criteria: ACMG Guidelines, 2015. Collection method: clinical testing. Allele origin: unknown.

ARUP Laboratories, Molecular Genetics and Genomics, ARUP Laboratories
Classification: Uncertain significance. Last evaluated: 2018-08-09. Review status: criteria provided, single submitter. Criteria: ARUP Molecular Germline Variant Investigation Process. Collection method: clinical testing. Allele origin: germline.
Comment: The KIF1A c.2968G>C; p.Ala990Pro variant (rs779093187), to our knowledge, is not reported in the medical literature but is reported as a variant of uncertain significance in ClinVar (Variation ID: 464223). This variant is found in the general population with an overall allele frequency of 0.004% (11/273890 alleles) in the Genome Aggregation Database. The alanine at codon 990 is moderately conserved, and computational analyses (SIFT, PolyPhen-2) predict that this variant is tolerated. Due to limited information, the clinical significance of the p.Ala990Pro variant is uncertain at this time.

NM_001244008.2(KIF1A):c.3271G>C (p.Ala1091Pro)

Gene: KIF1A (kinesin family member 1A; minus strand). Cytogenetic location: 2q37.3.
Variant type: single nucleotide variant.
Coding change: c.3271G>C on transcript NM_001244008.2 (MANE Select); coding-DNA position 3271, G replaced by C.
Protein change: p.Ala1091Pro; replaces alanine 1091 with proline.
Molecular consequence: missense variant.
Genome position (GRCh38, 1-based): chr2:240,745,841, C>G on the plus strand (G>C on the coding strand, the complement: KIF1A is on the minus strand). VCF-style: chr2-240745841-C-G. GRCh37 (hg19) VCF-style: chr2-241685258-C-G.
Other names: c.2995G>C, p.Ala999Pro (NM_001320705.2, NM_001330289.2, NM_001379638.1); c.3070G>C, p.Ala1024Pro (NM_001330290.2, NM_001379634.1, NM_001379635.1 and 1 more transcripts); c.3346G>C, p.Ala1116Pro (NM_001379631.1); c.3220G>C, p.Ala1074Pro (NM_001379632.1); c.3244G>C, p.Ala1082Pro (NM_001379633.1, NM_001379642.1, NM_001379645.1); c.2968G>C, p.Ala990Pro (NM_001379636.1, NM_001379639.1, NM_001379641.1 and 5 more transcripts); c.3043G>C, p.Ala1015Pro (NM_001379637.1, NM_001379648.1); c.2965G>C, p.Ala989Pro (NM_001379640.1); short protein forms A990P, A1091P, A999P, A1024P, A1015P, A1074P, A1082P, A1116P.
Identifiers: ClinVar variation 464223 (VCV000464223.17), dbSNP rs779093187, ClinGen allele CA2207853.